The following is an entry in ClinVar:

NM_014491.4(FOXP2):c.1463C>T (p.Ser488Leu)

Gene: FOXP2 (forkhead box P2; plus strand). Cytogenetic location: 7q31.1.
Variant type: single nucleotide variant.
Coding change: c.1463C>T on transcript NM_014491.4 (MANE Select); coding-DNA position 1463, C replaced by T.
Protein change: p.Ser488Leu; replaces serine 488 with leucine.
Molecular consequence: missense variant. On other transcripts: non-coding transcript variant (1).
Genome position (GRCh38, 1-based): chr7:114,658,262, C>T. VCF-style: chr7-114658262-C-T. GRCh37 (hg19) VCF-style: chr7-114298317-C-T.
Other names: c.1460C>T, p.Ser487Leu (NM_001172766.3); c.1538C>T, p.Ser513Leu (NM_148898.4); c.1514C>T, p.Ser505Leu (NM_148900.4); short protein forms S487L, S488L, S505L, S513L.
Identifiers: ClinVar variation 4681873 (VCV004681873.5).
Genomic context (GRCh38, chr7:114,658,262, plus strand): 5'-GTGTGCCCAATGTGGGAGCCATACGAAGGCGACATTCAGACAAATACAACATTCCCATGT[C>T]ATCAGGTAGGATATGAATGCTCAGTAGAGCACTTTTACTTTGGGAGAGGAAAACTGTAGC-3'
Protein context (NP_055306.1, residues 478-498): RHSDKYNIPM[Ser488Leu]SEIAPNYEFY

ClinVar aggregate classification (germline): Uncertain significance (1 of 4 stars; one submission).

Submission:

CeGaT Center for Human Genetics Tuebingen
Classification: Uncertain significance. Last evaluated: 2025-12-01. Review status: criteria provided, single submitter. Criteria: CeGaT Center For Human Genetics Tuebingen Variant Classification Criteria Version 2. Collection method: clinical testing. Allele origin: germline. Affected: yes. Observed: 1 variant allele.
Comment: FOXP2: PM2, PP3, BP1